The following is an entry in ClinVar:

ClinVar aggregate classification (germline): Uncertain significance (1 of 4 stars; one submission).

Conditions:
AFF4-related disorder. Also called: AFF4-related condition.

Submission:

PreventionGenetics, part of Exact Sciences
Classification: Uncertain significance for AFF4-related condition. Last evaluated: 2025-03-26. Review status: criteria provided, single submitter. Criteria: ACMG Guidelines, 2015. Collection method: clinical testing. Allele origin: germline.
Comment: The AFF4 c.1031A>G variant is predicted to result in the amino acid substitution p.Lys344Arg. To our knowledge, this variant has not been reported in the literature or in a large population database (gnomAD), indicating this variant is rare. At this time, the clinical significance of this variant is uncertain due to the absence of conclusive functional and genetic evidence.

NM_014423.4(AFF4):c.1031A>G (p.Lys344Arg)

Gene: AFF4 (ALF transcription elongation factor 4; minus strand). Cytogenetic location: 5q31.1.
Variant type: single nucleotide variant.
Coding change: c.1031A>G on transcript NM_014423.4 (MANE Select); coding-DNA position 1031, A replaced by G.
Protein change: p.Lys344Arg; replaces lysine 344 with arginine.
Molecular consequence: missense variant.
Genome position (GRCh38, 1-based): chr5:132,927,140, T>C on the plus strand (A>G on the coding strand, the complement: AFF4 is on the minus strand). VCF-style: chr5-132927140-T-C. GRCh37 (hg19) VCF-style: chr5-132262832-T-C.
Other names: short protein forms K344R.
Identifiers: ClinVar variation 4997443 (VCV004997443.1).